The following is an entry in ClinVar:

ClinVar aggregate classification (germline): Uncertain significance (1 of 4 stars; one submission).

Submission:

Labcorp Genetics (formerly Invitae), Labcorp
Classification: Uncertain significance. Last evaluated: 2024-05-15. Review status: criteria provided, single submitter. Criteria: Invitae Variant Classification Sherloc (09022015). Collection method: clinical testing. Allele origin: germline.
Comment: This sequence change replaces proline, which is neutral and non-polar, with serine, which is neutral and polar, at codon 159 of the EFL1 protein (p.Pro159Ser). This variant is not present in population databases (gnomAD no frequency). This variant has not been reported in the literature in individuals affected with EFL1-related conditions. Advanced modeling of protein sequence and biophysical properties (such as structural, functional, and spatial information, amino acid conservation, physicochemical variation, residue mobility, and thermodynamic stability) performed at Invitae indicates that this missense variant is not expected to disrupt EFL1 protein function with a negative predictive value of 80%. In summary, the available evidence is currently insufficient to determine the role of this variant in disease. Therefore, it has been classified as a Variant of Uncertain Significance.

NM_024580.6(EFL1):c.475C>T (p.Pro159Ser)

Gene: EFL1 (elongation factor like GTPase 1; minus strand). Cytogenetic location: 15q25.2.
Variant type: single nucleotide variant.
Coding change: c.475C>T on transcript NM_024580.6 (MANE Select); coding-DNA position 475, C replaced by T.
Protein change: p.Pro159Ser; replaces proline 159 with serine.
Molecular consequence: missense variant. On other transcripts: 5 prime UTR variant (1), non-coding transcript variant (1).
Genome position (GRCh38, 1-based): chr15:82,240,459, G>A on the plus strand (C>T on the coding strand, the complement: EFL1 is on the minus strand). VCF-style: chr15-82240459-G-A. GRCh37 (hg19) VCF-style: chr15-82532800-G-A.
Other names: c.322C>T, p.Pro108Ser (NM_001040610.3); c.-315C>T (NM_001322844.2); c.475C>T, p.Pro159Ser (NM_001322845.2); short protein forms P159S, P108S.
Identifiers: ClinVar variation 3653529 (VCV003653529.2).